The following is an entry in ClinVar:

ClinVar aggregate classification (germline): Uncertain significance. Review status: criteria provided, multiple submitters, no conflicts (2 of 4 stars). 2 submissions from 2 submitters: Uncertain significance (2). Last evaluated 2025-06-23.

Conditions:
Multiple endocrine neoplasia, type 1 (MEN1). Also called: MEN I; WERMER SYNDROME; MEA I; Endocrine adenomatosis multiple; MEN 1. Identifiers: Orphanet 652, MedGen C0025267, MeSH D018761, MONDO:0007540, OMIM 131100.
Hereditary cancer-predisposing syndrome. Also called: Neoplastic Syndromes, Hereditary; Tumor predisposition; Hereditary Cancer Syndrome; Hereditary neoplastic syndrome. Identifiers: Orphanet 140162, MedGen C0027672, MeSH D009386, MONDO:0015356.

Allele frequency attached by ClinVar (database versions not stated): gnomAD exomes below 0.00001 and 0.00001.
gnomAD v4.1: 2 of 1,614,018 alleles (0.00012%); highest among the groups gnomAD compares: Non-Finnish European, 0.00017%; no homozygotes.

Submissions (2):

Ambry Genetics
Classification: Uncertain significance for Hereditary cancer-predisposing syndrome. Last evaluated: 2025-06-23. Review status: criteria provided, single submitter. Criteria: Ambry Variant Classification Scheme 2023. Collection method: clinical testing. Allele origin: germline.
Comment: The p.R108G variant (also known as c.322C>G), located in coding exon 1 of the MEN1 gene, results from a C to G substitution at nucleotide position 322. The arginine at codon 108 is replaced by glycine, an amino acid with dissimilar properties. This amino acid position is highly conserved in available vertebrate species. In addition, the in silico prediction for this alteration is inconclusive. Based on the available evidence, the clinical significance of this variant remains unclear.

Labcorp Genetics (formerly Invitae), Labcorp
Classification: Uncertain significance for Multiple endocrine neoplasia, type 1. Last evaluated: 2023-08-18. Review status: criteria provided, single submitter. Criteria: Invitae Variant Classification Sherloc (09022015). Collection method: clinical testing. Allele origin: germline.
Comment: This variant is present in population databases (no rsID available, gnomAD 0.002%). In summary, the available evidence is currently insufficient to determine the role of this variant in disease. Therefore, it has been classified as a Variant of Uncertain Significance. Advanced modeling of protein sequence and biophysical properties (such as structural, functional, and spatial information, amino acid conservation, physicochemical variation, residue mobility, and thermodynamic stability) performed at Invitae indicates that this missense variant is expected to disrupt MEN1 protein function. ClinVar contains an entry for this variant (Variation ID: 566315). This variant has not been reported in the literature in individuals affected with MEN1-related conditions. This sequence change replaces arginine, which is basic and polar, with glycine, which is neutral and non-polar, at codon 108 of the MEN1 protein (p.Arg108Gly).

NM_001370259.2(MEN1):c.322C>G (p.Arg108Gly)

Gene: MEN1 (menin 1; minus strand). Cytogenetic location: 11q13.1.
Variant type: single nucleotide variant.
Coding change: c.322C>G on transcript NM_001370259.2 (MANE Select); coding-DNA position 322, C replaced by G.
Protein change: p.Arg108Gly; replaces arginine 108 with glycine.
Molecular consequence: missense variant.
Genome position (GRCh38, 1-based): chr11:64,809,788, G>C on the plus strand (C>G on the coding strand, the complement: MEN1 is on the minus strand). VCF-style: chr11-64809788-G-C. GRCh37 (hg19) VCF-style: chr11-64577260-G-C.
Other names: c.322C>G, p.Arg108Gly (NM_130801.3, NM_130802.3, NM_130803.3 and 9 more transcripts); short protein forms R108G.
Identifiers: ClinVar variation 566315 (VCV000566315.8), dbSNP rs794728647, ClinGen allele CA381187410.